The following is an entry in ClinVar:

ClinVar aggregate classification (germline): Uncertain significance (1 of 4 stars; one submission).

Conditions:
Retinitis pigmentosa 12 (RP12). Also called: RP WITH OR WITHOUT PPRPE; RP WITH OR WITHOUT PRESERVED PARAARTERIOLE RETINAL PIGMENT EPITHELIUM; RETINITIS PIGMENTOSA WITH OR WITHOUT PARAARTERIOLAR PRESERVATION OF RETINAL PIGMENT EPITHELIUM. Identifiers: Orphanet 791, MedGen C1838647, MONDO:0010818, OMIM 600105.
Leber congenital amaurosis 8 (LCA8). Identifiers: Orphanet 65, MedGen C3151202, MONDO:0013453, OMIM 613835.

Allele frequency attached by ClinVar (database versions not stated): gnomAD 0.00001.
gnomAD v4.1: 1 of 1,614,070 alleles (0.000062%); highest among the groups gnomAD compares: Admixed American, 0.0017%; no homozygotes.

Submission:

Labcorp Genetics (formerly Invitae), Labcorp
Classification: Uncertain significance for Leber congenital amaurosis 8; Retinitis pigmentosa 12. Last evaluated: 2022-08-17. Review status: criteria provided, single submitter. Criteria: Invitae Variant Classification Sherloc (09022015). Collection method: clinical testing. Allele origin: germline.
Comment: This sequence change replaces leucine, which is neutral and non-polar, with arginine, which is basic and polar, at codon 1316 of the CRB1 protein (p.Leu1316Arg). This variant is not present in population databases (gnomAD no frequency). This variant has not been reported in the literature in individuals affected with CRB1-related conditions. Advanced modeling of protein sequence and biophysical properties (such as structural, functional, and spatial information, amino acid conservation, physicochemical variation, residue mobility, and thermodynamic stability) performed at Invitae indicates that this missense variant is not expected to disrupt CRB1 protein function. In summary, the available evidence is currently insufficient to determine the role of this variant in disease. Therefore, it has been classified as a Variant of Uncertain Significance.

NM_201253.3(CRB1):c.3947T>G (p.Leu1316Arg)

Gene: CRB1 (crumbs cell polarity complex component 1; plus strand). Cytogenetic location: 1q31.3.
Variant type: single nucleotide variant.
Coding change: c.3947T>G on transcript NM_201253.3 (MANE Select); coding-DNA position 3947, T replaced by G.
Protein change: p.Leu1316Arg; replaces leucine 1316 with arginine.
Molecular consequence: missense variant. On other transcripts: non-coding transcript variant (2).
Genome position (GRCh38, 1-based): chr1:197,442,234, T>G. VCF-style: chr1-197442234-T-G. GRCh37 (hg19) VCF-style: chr1-197411364-T-G.
Other names: c.3611T>G, p.Leu1204Arg (NM_001193640.2); c.3875T>G, p.Leu1292Arg (NM_001257965.2); c.2339T>G, p.Leu780Arg (NM_001257966.2); short protein forms L1204R, L1292R, L1316R, L780R.
Identifiers: ClinVar variation 1716583 (VCV001716583.5), dbSNP rs1665482450, ClinGen allele CA344052597.